The following is an entry in ClinVar:

NM_015204.3(THSD7A):c.80CGCTGC[2] (p.27PL[2])

Gene: THSD7A (thrombospondin type 1 domain containing 7A; minus strand). Cytogenetic location: 7p21.3.
Variant type: Microsatellite.
Coding change: c.80CGCTGC[2] on transcript NM_015204.3 (MANE Select); two copies in a row of the 6-base unit CGCTGC starting at c.80; the reference has four copies in a row; two copies, 12 bases deleted.
Protein change: p.27PL[2].
Genome position (GRCh38, 1-based): chr7:11,831,844-11,831,855, GCAGCGGCAGCG deleted on the plus strand (CGCTGCCGCTGC on the coding strand, the reverse complement: THSD7A is on the minus strand); deleting any 12 consecutive bases within chr7:11,831,844-11,831,872 gives the same sequence; the position shown is the placement nearest the transcript's 3' end. VCF-style (leftmost placement, unchanged base first): chr7-11831843-AGCAGCGGCAGCG-A. GRCh37 (hg19) VCF-style: chr7-11871469-AGCAGCGGCAGCG-A.
Identifiers: ClinVar variation 3057173 (VCV003057173.2), dbSNP rs536177295, ClinGen allele CA4164937.
Genomic context (GRCh38, chr7:11,831,843, plus strand): 5'-GCCTCCGCCTCGCCCTGCGCCGCAGCCCTGCCGGCGCCCGGGCGTAGCAGCAGCAGCAGG[AGCAGCGGCAGCG>A]GCAGCGGCAGCGGCAGCAGCTGCAGGACGCCCCGGCGCGGCCCCGCAGCGCCCCGGCTCC-3'

ClinVar aggregate classification (germline): Likely benign (0 of 4 stars; one submission).

Conditions:
THSD7A-related disorder. Also called: THSD7A-related condition.

Submission:

PreventionGenetics, part of Exact Sciences
Classification: Likely benign for THSD7A-related condition. Last evaluated: 2022-03-13. Review status: no assertion criteria provided. Collection method: clinical testing. Allele origin: germline.
Comment: This variant is classified as likely benign based on ACMG/AMP sequence variant interpretation guidelines (Richards et al. 2015 PMID: 25741868, with internal and published modifications).